The following is an entry in ClinVar:

ClinVar aggregate classification (germline): Uncertain significance (1 of 4 stars; one submission).

Conditions:
Cardiovascular phenotype. Identifiers: MedGen CN230736.

gnomAD v4.1: 5 of 1,613,960 alleles (0.00031%); highest among the groups gnomAD compares: Non-Finnish European, 0.00042%; no homozygotes.

Submission:

Ambry Genetics
Classification: Uncertain significance for Cardiovascular phenotype. Last evaluated: 2022-12-08. Review status: criteria provided, single submitter. Criteria: Ambry Variant Classification Scheme 2023. Collection method: clinical testing. Allele origin: germline.
Comment: The c.191C>G (p.T64S) alteration is located in exon 4 (coding exon 3) of the EYA4 gene. This alteration results from a C to G substitution at nucleotide position 191, causing the threonine (T) at amino acid position 64 to be replaced by a serine (S). This variant was not reported in population-based cohorts in the Genome Aggregation Database (gnomAD). This amino acid position is highly conserved in available vertebrate species. This alteration is predicted to be tolerated by in silico analysis. Based on insufficient or conflicting evidence, the clinical significance of this alteration remains unclear.

NM_004100.5(EYA4):c.191C>G (p.Thr64Ser)

Gene: EYA4 (EYA transcriptional coactivator and phosphatase 4; plus strand). Cytogenetic location: 6q23.2.
Variant type: single nucleotide variant.
Coding change: c.191C>G on transcript NM_004100.5 (MANE Select); coding-DNA position 191, C replaced by G.
Protein change: p.Thr64Ser; replaces threonine 64 with serine.
Molecular consequence: missense variant.
Genome position (GRCh38, 1-based): chr6:133,446,737, C>G. VCF-style: chr6-133446737-C-G. GRCh37 (hg19) VCF-style: chr6-133767875-C-G.
Other names: c.191C>G, p.Thr64Ser (NM_001301012.2, NM_001301013.2, NM_001370458.1 and 3 more transcripts); short protein forms T64S.
Identifiers: ClinVar variation 2333896 (VCV002333896.2), dbSNP rs1414960117, ClinGen allele CA365838130.